The following is an entry in ClinVar:

ClinVar aggregate classification (germline): Uncertain significance (1 of 4 stars; one submission).

Conditions:
Nephronophthisis. Also called: Juvenile Nephronophthisis. Identifiers: Orphanet 655, MedGen C0687120, MONDO:0019005, HP:0000090.

Allele frequency attached by ClinVar (database versions not stated): gnomAD exomes below 0.00001.
gnomAD v4.1: 3 of 1,613,912 alleles (0.00019%); highest among the groups gnomAD compares: Middle Eastern, 0.016%; no homozygotes.

Submission:

Labcorp Genetics (formerly Invitae), Labcorp
Classification: Uncertain significance for Nephronophthisis. Last evaluated: 2024-05-22. Review status: criteria provided, single submitter. Criteria: Invitae Variant Classification Sherloc (09022015). Collection method: clinical testing. Allele origin: germline.
Comment: This sequence change falls in intron 12 of the NPHP3 gene. It does not directly change the encoded amino acid sequence of the NPHP3 protein. It affects a nucleotide within the consensus splice site. This variant is not present in population databases (gnomAD no frequency). This variant has not been reported in the literature in individuals affected with NPHP3-related conditions. ClinVar contains an entry for this variant (Variation ID: 1490233). Variants that disrupt the consensus splice site are a relatively common cause of aberrant splicing (PMID: 17576681, 9536098). Algorithms developed to predict the effect of sequence changes on RNA splicing suggest that this variant is not likely to affect RNA splicing. In summary, the available evidence is currently insufficient to determine the role of this variant in disease. Therefore, it has been classified as a Variant of Uncertain Significance.

Literature cited by the submitters: PubMed 17576681; PubMed 9536098.

NM_153240.5(NPHP3):c.1887+5C>T

Genes: NPHP3 (nephrocystin 3; minus strand), NPHP3-ACAD11 (NPHP3-ACAD11 readthrough (NMD candidate); minus strand). Cytogenetic location: 3q22.1.
Variant type: single nucleotide variant.
Coding change: c.1887+5C>T on transcript NM_153240.5 (MANE Select); 5 bases into the intron after coding-DNA position 1887, C replaced by T.
Molecular consequence: intron variant.
Genome position (GRCh38, 1-based): chr3:132,699,913, G>A on the plus strand (C>T on the coding strand, the complement: NPHP3 is on the minus strand). VCF-style: chr3-132699913-G-A. GRCh37 (hg19) VCF-style: chr3-132418757-G-A.
Identifiers: ClinVar variation 1490233 (VCV001490233.6), dbSNP rs1939561378, ClinGen allele CA1402637293.